The following is an entry in ClinVar:

ClinVar aggregate classification (germline): Uncertain significance. Review status: criteria provided, multiple submitters, no conflicts (2 of 4 stars). 2 submissions from 2 submitters: Uncertain significance (2). Last evaluated 2025-05-25.

Conditions:
Hereditary nonpolyposis colorectal neoplasms. Identifiers: MedGen C0009405, MeSH D003123.
Hereditary cancer-predisposing syndrome. Also called: Neoplastic Syndromes, Hereditary; Tumor predisposition; Hereditary neoplastic syndrome; Hereditary Cancer Syndrome. Identifiers: Orphanet 140162, MedGen C0027672, MeSH D009386, MONDO:0015356.

gnomAD v4.1: 3 of 1,614,140 alleles (0.00019%); highest among the groups gnomAD compares: East Asian, 0.0067%; no homozygotes.

Submissions (2):

Labcorp Genetics (formerly Invitae), Labcorp
Classification: Uncertain significance for Hereditary nonpolyposis colorectal neoplasms. Last evaluated: 2025-05-25. Review status: criteria provided, single submitter. Criteria: Invitae Variant Classification Sherloc (09022015). Collection method: clinical testing. Allele origin: germline.
Comment: This sequence change replaces aspartic acid, which is acidic and polar, with glutamic acid, which is acidic and polar, at codon 667 of the MSH6 protein (p.Asp667Glu). This variant is not present in population databases (gnomAD no frequency). This variant has not been reported in the literature in individuals affected with MSH6-related conditions. ClinVar contains an entry for this variant (Variation ID: 838100). Invitae Evidence Modeling of protein sequence and biophysical properties (such as structural, functional, and spatial information, amino acid conservation, physicochemical variation, residue mobility, and thermodynamic stability) indicates that this missense variant is not expected to disrupt MSH6 protein function with a negative predictive value of 95%. In summary, the available evidence is currently insufficient to determine the role of this variant in disease. Therefore, it has been classified as a Variant of Uncertain Significance.

Ambry Genetics
Classification: Uncertain significance for Hereditary cancer-predisposing syndrome. Last evaluated: 2024-07-23. Review status: criteria provided, single submitter. Criteria: Ambry Variant Classification Scheme 2023. Collection method: clinical testing. Allele origin: germline.
Comment: The p.D667E variant (also known as c.2001T>G), located in coding exon 4 of the MSH6 gene, results from a T to G substitution at nucleotide position 2001. The aspartic acid at codon 667 is replaced by glutamic acid, an amino acid with highly similar properties. This amino acid position is highly conserved in available vertebrate species. In addition, this alteration is predicted to be deleterious by in silico analysis. Based on the available evidence, the clinical significance of this variant remains unclear.

NM_000179.3(MSH6):c.2001T>G (p.Asp667Glu)

Gene: MSH6 (mutS homolog 6; plus strand). Cytogenetic location: 2p16.3.
Variant type: single nucleotide variant.
Coding change: c.2001T>G on transcript NM_000179.3 (MANE Select); coding-DNA position 2001, T replaced by G.
Protein change: p.Asp667Glu; replaces aspartic acid 667 with glutamic acid.
Molecular consequence: missense variant.
Genome position (GRCh38, 1-based): chr2:47,799,984, T>G. VCF-style: chr2-47799984-T-G. GRCh37 (hg19) VCF-style: chr2-48027123-T-G.
Other names: c.1611T>G, p.Asp537Glu (NM_001281492.2); c.1095T>G, p.Asp365Glu (NM_001281493.2, NM_001281494.2); short protein forms D537E, D667E, D365E.
Identifiers: ClinVar variation 838100 (VCV000838100.11), dbSNP rs1361745058, ClinGen allele CA346750666.